The following is an entry in ClinVar:

ClinVar aggregate classification (germline): Likely pathogenic (1 of 4 stars; one submission).

Conditions:
KMT2C-related disorder. Also called: KMT2C-related disorders; KMT2C-related condition.

Submission:

PreventionGenetics, part of Exact Sciences
Classification: Likely pathogenic for KMT2C-related condition. Last evaluated: 2026-09-04. Review status: criteria provided, single submitter. Criteria: ACMG Guidelines, 2015. Collection method: clinical testing. Allele origin: germline.
Comment: The KMT2C c.4272delC variant is predicted to result in a frameshift and premature protein termination (p.His1424Glnfs*8). To our knowledge, this variant has not been reported in the literature or in a large population database, indicating this variant is rare. Frameshift variants in KMT2C are expected to be pathogenic. This variant is interpreted as likely pathogenic.

NM_170606.3(KMT2C):c.4272del (p.His1424fs)

Gene: KMT2C (lysine methyltransferase 2C; minus strand). Cytogenetic location: 7q36.1.
Variant type: Deletion.
Coding change: c.4272del on transcript NM_170606.3 (MANE Select); coding-DNA position 4272, one base deleted (C; older notation c.4272delC).
Protein change: p.His1424fs; shifts the reading frame from histidine 1424.
Molecular consequence: frameshift variant.
Genome position (GRCh38, 1-based): chr7:152,199,280, G deleted on the plus strand (C on the coding strand, the reverse complement: KMT2C is on the minus strand). VCF-style (leftmost placement, unchanged base first): chr7-152199279-CG-C. GRCh37 (hg19) VCF-style: chr7-151896364-CG-C.
Other names: short protein forms H1424fs.
Identifiers: ClinVar variation 2632367 (VCV002632367.2), dbSNP rs2487894291, ClinGen allele CA2695199643.